The following is an entry in ClinVar:

ClinVar aggregate classification (germline): Uncertain significance (1 of 4 stars; one submission).

Conditions:
Nephronophthisis. Also called: Juvenile Nephronophthisis. Identifiers: Orphanet 655, MedGen C0687120, MONDO:0019005, HP:0000090.

Allele frequency attached by ClinVar (database versions not stated): gnomAD exomes below 0.00001; TOPMed below 0.00001; gnomAD 0.00001.
gnomAD v4.1: 7 of 1,610,918 alleles (0.00043%); highest among the groups gnomAD compares: Non-Finnish European, 0.00059%; no homozygotes.

Submission:

Labcorp Genetics (formerly Invitae), Labcorp
Classification: Uncertain significance for Nephronophthisis. Last evaluated: 2020-03-26. Review status: criteria provided, single submitter. Criteria: Invitae Variant Classification Sherloc (09022015). Collection method: clinical testing. Allele origin: germline.
Comment: In summary, the available evidence is currently insufficient to determine the role of this variant in disease. Therefore, it has been classified as a Variant of Uncertain Significance. Algorithms developed to predict the effect of missense changes on protein structure and function (SIFT, PolyPhen-2, Align-GVGD) all suggest that this variant is likely to be disruptive, but these predictions have not been confirmed by published functional studies and their clinical significance is uncertain. This variant has not been reported in the literature in individuals with INVS-related conditions. This variant is not present in population databases (ExAC no frequency). This sequence change replaces arginine with cysteine at codon 95 of the INVS protein (p.Arg95Cys). The arginine residue is highly conserved and there is a large physicochemical difference between arginine and cysteine.

NM_014425.5(INVS):c.283C>T (p.Arg95Cys)

Gene: INVS (inversin; plus strand). Cytogenetic location: 9q31.1.
Variant type: single nucleotide variant.
Coding change: c.283C>T on transcript NM_014425.5 (MANE Select); coding-DNA position 283, C replaced by T.
Protein change: p.Arg95Cys; replaces arginine 95 with cysteine.
Molecular consequence: missense variant. On other transcripts: 5 prime UTR variant (2), non-coding transcript variant (1).
Genome position (GRCh38, 1-based): chr9:100,226,071, C>T. VCF-style: chr9-100226071-C-T. GRCh37 (hg19) VCF-style: chr9-102988353-C-T.
Other names: c.-6C>T (NM_001318381.2); c.-707C>T (NM_001318382.2); short protein forms R95C.
Identifiers: ClinVar variation 1006166 (VCV001006166.8), dbSNP rs1189239222, ClinGen allele CA374359010.